The following is an entry in ClinVar:

ClinVar aggregate classification (germline): Uncertain significance (1 of 4 stars; one submission).

Allele frequency attached by ClinVar (database versions not stated): gnomAD exomes below 0.00001; ExAC 0.00001; gnomAD 0.00001; TOPMed 0.00004.
gnomAD v4.1: 3 of 1,614,070 alleles (0.00019%); highest among the groups gnomAD compares: African/African-American, 0.0027%; no homozygotes.

Submission:

Labcorp Genetics (formerly Invitae), Labcorp
Classification: Uncertain significance. Last evaluated: 2025-04-29. Review status: criteria provided, single submitter. Criteria: Invitae Variant Classification Sherloc (09022015). Collection method: clinical testing. Allele origin: germline.
Comment: This sequence change replaces glutamic acid, which is acidic and polar, with lysine, which is basic and polar, at codon 1061 of the CTR9 protein (p.Glu1061Lys). This variant is present in population databases (rs770524055, gnomAD 0.007%). This variant has not been reported in the literature in individuals affected with CTR9-related conditions. ClinVar contains an entry for this variant (Variation ID: 958325). An algorithm developed to predict the effect of missense changes on protein structure and function (PolyPhen-2) suggests that this variant is likely to be tolerated. In summary, the available evidence is currently insufficient to determine the role of this variant in disease. Therefore, it has been classified as a Variant of Uncertain Significance.

NM_014633.5(CTR9):c.3181G>A (p.Glu1061Lys)

Gene: CTR9 (CTR9 component of Paf1/RNA polymerase II complex; plus strand). Cytogenetic location: 11p15.4.
Variant type: single nucleotide variant.
Coding change: c.3181G>A on transcript NM_014633.5 (MANE Select); coding-DNA position 3181, G replaced by A.
Protein change: p.Glu1061Lys; replaces glutamic acid 1061 with lysine.
Molecular consequence: missense variant.
Genome position (GRCh38, 1-based): chr11:10,778,764, G>A. VCF-style: chr11-10778764-G-A. GRCh37 (hg19) VCF-style: chr11-10800311-G-A.
Other names: c.3109G>A, p.Glu1037Lys (NM_001346279.2); short protein forms E1037K, E1061K.
Identifiers: ClinVar variation 958325 (VCV000958325.9), dbSNP rs770524055, ClinGen allele CA5885536.